The following is an entry in ClinVar:

NM_000545.8(HNF1A):c.246_247del (p.Pro83fs)

Gene: HNF1A (HNF1 homeobox A; plus strand). Cytogenetic location: 12q24.31.
Variant type: Deletion.
Coding change: c.246_247del on transcript NM_000545.8 (MANE Select); coding-DNA positions 246 to 247, 2 bases deleted (GC; older notation c.246_247delGC).
Protein change: p.Pro83fs; shifts the reading frame from proline 83.
Molecular consequence: frameshift variant.
Genome position (GRCh38, 1-based): chr12:120,979,014-120,979,015, GC deleted; deleting any 2 consecutive bases within chr12:120,979,013-120,979,015 gives the same sequence; the c. name uses the placement nearest the transcript's 3' end. VCF-style (leftmost placement, unchanged base first): chr12-120979012-ACG-A. GRCh37 (hg19) VCF-style: chr12-121416815-ACG-A.
Other names: c.246_247del, p.Pro83fs (NM_001306179.2, NM_001406915.1); short protein forms P83fs.
Identifiers: ClinVar variation 4997360 (VCV004997360.1).
Genomic context (GRCh38, chr12:120,979,012, plus strand): 5'-AATGGGCTGGGGGAGACTCGGGGCTCCGAGGACGAGACGGACGACGATGGGGAAGACTTC[ACG>A]CCACCCATCCTCAAAGAGCTGGAGAACCTCAGCCCTGAGGAGGCGGCCCACCAGAAAGCC-3'

ClinVar aggregate classification (germline): Pathogenic (1 of 4 stars; one submission).

Conditions:
HNF1A-related disorder. Also called: HNF1A-related condition.

Submission:

PreventionGenetics, part of Exact Sciences
Classification: Pathogenic for HNF1A-related condition. Last evaluated: 2025-05-29. Review status: criteria provided, single submitter. Criteria: ACMG Guidelines, 2015. Collection method: clinical testing. Allele origin: germline.
Comment: The HNF1A c.246_247delGC variant is predicted to result in a frameshift and premature protein termination (p.Pro83Thrfs*12). To our knowledge, this variant has not been reported in the literature or in a large population database (gnomAD), indicating this variant is rare. Frameshift variants in HNF1A are expected to be pathogenic. This variant is interpreted as pathogenic.